The following is an entry in ClinVar:

NM_001367624.2(ZNF469):c.9840C>G (p.Ser3280Arg)

Gene: ZNF469 (zinc finger protein 469; plus strand). Cytogenetic location: 16q24.2.
Variant type: single nucleotide variant.
Coding change: c.9840C>G on transcript NM_001367624.2 (MANE Select); coding-DNA position 9840, C replaced by G.
Protein change: p.Ser3280Arg; replaces serine 3280 with arginine.
Molecular consequence: missense variant.
Genome position (GRCh38, 1-based): chr16:88,437,310, C>G. VCF-style: chr16-88437310-C-G. GRCh37 (hg19) VCF-style: chr16-88503718-C-G.
Other names: short protein forms S3280R.
Identifiers: ClinVar variation 1912424 (VCV001912424.2), dbSNP rs1004995551, ClinGen allele CA286385831.
Genomic context (GRCh38, chr16:88,437,310, plus strand): 5'-AGAAGCCAAGAAAGACAGCCCGGGCGAGAGGGCGAAACCCCGGGCACGCAGCACCCCCAG[C>G]AACCCAGACGGGGCCGCGACCCCAGACAGCGCCTCTGCCACCGCCCTGGCTGACGCCGGC-3'
Protein context (NP_001354553.1, residues 3270-3290): RAKPRARSTP[Ser3280Arg]NPDGAATPDS

ClinVar aggregate classification (germline): Uncertain significance (1 of 4 stars; one submission).

Allele frequency attached by ClinVar (database versions not stated): gnomAD exomes 0.00001.
gnomAD v4.1: 16 of 1,547,606 alleles (0.001%); highest among the groups gnomAD compares: African/African-American, 0.011%; no homozygotes.

Submission:

Labcorp Genetics (formerly Invitae), Labcorp
Classification: Uncertain significance. Last evaluated: 2022-06-15. Review status: criteria provided, single submitter. Criteria: Invitae Variant Classification Sherloc (09022015). Collection method: clinical testing. Allele origin: germline.
Comment: This sequence change replaces serine, which is neutral and polar, with arginine, which is basic and polar, at codon 3252 of the ZNF469 protein (p.Ser3252Arg). This variant is not present in population databases (gnomAD no frequency). This variant has not been reported in the literature in individuals affected with ZNF469-related conditions. Algorithms developed to predict the effect of missense changes on protein structure and function are either unavailable or do not agree on the potential impact of this missense change (SIFT: "Tolerated"; PolyPhen-2: "Possibly Damaging"; Align-GVGD: "Class C0"). In summary, the available evidence is currently insufficient to determine the role of this variant in disease. Therefore, it has been classified as a Variant of Uncertain Significance.